The following is an entry in ClinVar:

NM_001164508.2(NEB):c.8890C>T (p.Arg2964Cys)

Gene: NEB (nebulin; minus strand). Cytogenetic location: 2q23.3.
Variant type: single nucleotide variant.
Coding change: c.8890C>T on transcript NM_001164508.2 (MANE Select); coding-DNA position 8890, C replaced by T.
Protein change: p.Arg2964Cys; replaces arginine 2964 with cysteine.
Molecular consequence: missense variant. On other transcripts: intron variant (1).
Genome position (GRCh38, 1-based): chr2:151,639,384, G>A on the plus strand (C>T on the coding strand, the complement: NEB is on the minus strand). VCF-style: chr2-151639384-G-A. GRCh37 (hg19) VCF-style: chr2-152495898-G-A.
Other names: c.8890C>T, p.Arg2964Cys (NM_001164507.2, NM_001271208.2); c.8853+509C>T (NM_004543.5); c.8890C>T (NM_001271208.1); short protein forms R2964C.
Identifiers: ClinVar variation 594482 (VCV000594482.14), dbSNP rs368965372, ClinGen allele CA1909465.

ClinVar aggregate classification (germline): Uncertain significance. Review status: criteria provided, multiple submitters, no conflicts (2 of 4 stars). 4 submissions from 4 submitters: Uncertain significance (4). Last evaluated 2024-11-18.

Conditions:
Nemaline myopathy 2 (NEM2). Also called: Nemaline myopathy 2, autosomal recessive. Identifiers: MedGen C1850569, MONDO:0009725, OMIM 256030.

Allele frequency attached by ClinVar (database versions not stated): ExAC 0.00005; gnomAD exomes 0.00008; gnomAD 0.00011 and 0.00012; TOPMed 0.00011; ESP Exome Variant Server 0.00022.
gnomAD v4.1: 50 of 1,520,570 alleles (0.0033%); highest among the groups gnomAD compares: African/African-American, 0.036%; 1 homozygote.

Submissions (4):

GeneDx
Classification: Uncertain significance. Last evaluated: 2024-11-18. Review status: criteria provided, single submitter. Criteria: GeneDx Variant Classification Process June 2021. Collection method: clinical testing. Allele origin: germline. Affected: yes.
Comment: Reported as a variant of uncertain significance in a proband with a clinical diagnosis of limb girdle muscular dystrophy or Emery-Dreifuss muscular dystrophy (PMID: 25214167); In silico analysis supports that this missense variant has a deleterious effect on protein structure/function; This variant is associated with the following publications: (PMID: 25214167)

Labcorp Genetics (formerly Invitae), Labcorp
Classification: Uncertain significance for Nemaline myopathy 2. Last evaluated: 2024-10-15. Review status: criteria provided, single submitter. Criteria: Invitae Variant Classification Sherloc (09022015). Collection method: clinical testing. Allele origin: germline.
Comment: This sequence change replaces arginine, which is basic and polar, with cysteine, which is neutral and slightly polar, at codon 2964 of the NEB protein (p.Arg2964Cys). This variant is present in population databases (rs368965372, gnomAD 0.04%). This variant has not been reported in the literature in individuals affected with NEB-related conditions. ClinVar contains an entry for this variant (Variation ID: 594482). Experimental studies and prediction algorithms are not available or were not evaluated, and the functional significance of this variant is currently unknown. In summary, the available evidence is currently insufficient to determine the role of this variant in disease. Therefore, it has been classified as a Variant of Uncertain Significance.

Revvity Omics, Revvity
Classification: Uncertain significance. Last evaluated: 2024-02-02. Review status: criteria provided, single submitter. Criteria: ACMG Guidelines, 2015. Collection method: clinical testing. Allele origin: germline.

Eurofins Ntd Llc (ga)
Classification: Uncertain significance. Last evaluated: 2017-10-10. Review status: criteria provided, single submitter. Criteria: EGL Classification Definitions 2015. Collection method: clinical testing. Allele origin: germline. Observed: 1 variant allele, 1 heterozygote.